The following is an entry in ClinVar:

ClinVar aggregate classification (germline): Uncertain significance (1 of 4 stars; one submission).

Conditions:
Paget disease of bone 2, early-onset (PDB2). Also called: Paget disease of bone 2. Identifiers: MedGen C4085251, MONDO:0011183, OMIM 602080.
Frontotemporal dementia and/or amyotrophic lateral sclerosis 1 (FTDALS1). Also called: Frontotemporal dementia with motor neuron disease 1; C9orf72 Frontotemporal Dementia and/or Amyotrophic Lateral Sclerosis. Identifiers: Orphanet 275872, MedGen C5779877, MONDO:0007105, OMIM 105550.

gnomAD v4.1: 2 of 1,614,110 alleles (0.00012%); highest among the groups gnomAD compares: Non-Finnish European, 0.00017%; no homozygotes.

Submission:

Labcorp Genetics (formerly Invitae), Labcorp
Classification: Uncertain significance for Paget disease of bone 2, early-onset; Frontotemporal dementia and/or amyotrophic lateral sclerosis 1. Last evaluated: 2022-04-11. Review status: criteria provided, single submitter. Criteria: Invitae Variant Classification Sherloc (09022015). Collection method: clinical testing. Allele origin: germline.
Comment: This sequence change replaces leucine, which is neutral and non-polar, with valine, which is neutral and non-polar, at codon 386 of the SQSTM1 protein (p.Leu386Val). In summary, the available evidence is currently insufficient to determine the role of this variant in disease. Therefore, it has been classified as a Variant of Uncertain Significance. Algorithms developed to predict the effect of missense changes on protein structure and function are either unavailable or do not agree on the potential impact of this missense change (SIFT: "Tolerated"; PolyPhen-2: "Probably Damaging"; Align-GVGD: "Class C0"). This variant has not been reported in the literature in individuals affected with SQSTM1-related conditions. This variant is not present in population databases (gnomAD no frequency).

NM_003900.5(SQSTM1):c.1156C>G (p.Leu386Val)

Gene: SQSTM1 (sequestosome 1; plus strand). Cytogenetic location: 5q35.3.
Variant type: single nucleotide variant.
Coding change: c.1156C>G on transcript NM_003900.5 (MANE Select); coding-DNA position 1156, C replaced by G.
Protein change: p.Leu386Val; replaces leucine 386 with valine.
Molecular consequence: missense variant.
Genome position (GRCh38, 1-based): chr5:179,833,773, C>G. VCF-style: chr5-179833773-C-G. GRCh37 (hg19) VCF-style: chr5-179260773-C-G.
Other names: c.904C>G, p.Leu302Val (NM_001142298.2, NM_001142299.2); short protein forms L302V, L386V.
Identifiers: ClinVar variation 2124578 (VCV002124578.4), dbSNP rs2480248487, ClinGen allele CA362453104.